The following is an entry in ClinVar:

ClinVar aggregate classification (germline): Uncertain significance (1 of 4 stars; one submission).

Conditions:
Hereditary cancer-predisposing syndrome. Also called: Hereditary neoplastic syndrome; Neoplastic Syndromes, Hereditary; Tumor predisposition; Hereditary Cancer Syndrome. Identifiers: Orphanet 140162, MedGen C0027672, MeSH D009386, MONDO:0015356.

Submission:

Ambry Genetics
Classification: Uncertain significance for Hereditary cancer-predisposing syndrome. Last evaluated: 2025-08-02. Review status: criteria provided, single submitter. Criteria: Ambry Variant Classification Scheme 2023. Collection method: clinical testing. Allele origin: germline.
Comment: The p.G457E variant (also known as c.1370G>A) is located in coding exon 11 of the POT1 gene. The glycine at codon 457 is replaced by glutamic acid, an amino acid with similar properties. This change occurs in the first base pair of coding exon 11. This amino acid position is conserved. In addition, this alteration is predicted to be deleterious by in silico analysis. Based on the available evidence, the clinical significance of this variant remains unclear.

NM_015450.3(POT1):c.1370G>A (p.Gly457Glu)

Gene: POT1 (protection of telomeres 1; minus strand). Cytogenetic location: 7q31.33.
Variant type: single nucleotide variant.
Coding change: c.1370G>A on transcript NM_015450.3 (MANE Select); coding-DNA position 1370, G replaced by A.
Protein change: p.Gly457Glu; replaces glycine 457 with glutamic acid.
Molecular consequence: missense variant. On other transcripts: non-coding transcript variant (3).
Genome position (GRCh38, 1-based): chr7:124,835,414, C>T on the plus strand (G>A on the coding strand, the complement: POT1 is on the minus strand). VCF-style: chr7-124835414-C-T. GRCh37 (hg19) VCF-style: chr7-124475468-C-T.
Other names: c.977G>A, p.Gly326Glu (NM_001042594.2); short protein forms G326E, G457E.
Identifiers: ClinVar variation 4141943 (VCV004141943.1).